The following is an entry in ClinVar:

ClinVar aggregate classification (germline): Benign (1 of 4 stars; one submission).

Allele frequency attached by ClinVar (database versions not stated): 1000 Genomes Project 30x 0.03670; 1000 Genomes Project 0.03754; TOPMed 0.05995; gnomAD 0.06658 and 0.06824.
gnomAD v4.1: 10,085 of 152,172 alleles (6.6%); highest among the groups gnomAD compares: Non-Finnish European, 9.9%; 463 homozygotes.

Submission:

GeneDx
Classification: Benign. Last evaluated: 2018-06-14. Review status: criteria provided, single submitter. Criteria: GeneDx Variant Classification (06012015). Collection method: clinical testing. Allele origin: germline. Affected: yes.
Comment: This variant is considered likely benign or benign based on one or more of the following criteria: it is a conservative change, it occurs at a poorly conserved position in the protein, it is predicted to be benign by multiple in silico algorithms, and/or has population frequency not consistent with disease.

NM_152415.3(VPS37A):c.643-291A>G

Gene: VPS37A (VPS37A subunit of ESCRT-I; plus strand). Cytogenetic location: 8p22.
Variant type: single nucleotide variant.
Coding change: c.643-291A>G on transcript NM_152415.3 (MANE Select); 291 bases into the intron before coding-DNA position 643, A replaced by G.
Molecular consequence: intron variant.
Genome position (GRCh38, 1-based): chr8:17,276,106, A>G. VCF-style: chr8-17276106-A-G. GRCh37 (hg19) VCF-style: chr8-17133615-A-G.
Other names: c.373-291A>G (NM_001363172.2, NM_001363168.1, NM_001363170.1 and 2 more transcripts); c.643-291A>G (NM_001363173.2, NM_001363167.1); c.568-291A>G (NM_001145152.2).
Identifiers: ClinVar variation 671129 (VCV000671129.1), dbSNP rs73208566, ClinGen allele CA15544997.